The following is an entry in ClinVar:

NM_001367624.2(ZNF469):c.10567T>C (p.Trp3523Arg)

Gene: ZNF469 (zinc finger protein 469; plus strand). Cytogenetic location: 16q24.2.
Variant type: single nucleotide variant.
Coding change: c.10567T>C on transcript NM_001367624.2 (MANE Select); coding-DNA position 10567, T replaced by C.
Protein change: p.Trp3523Arg; replaces tryptophan 3523 with arginine.
Molecular consequence: missense variant.
Genome position (GRCh38, 1-based): chr16:88,438,037, T>C. VCF-style: chr16-88438037-T-C. GRCh37 (hg19) VCF-style: chr16-88504445-T-C.
Other names: NM_001127464.1:c.10483T>C; short protein forms W3523R.
Identifiers: ClinVar variation 3258287 (VCV003258287.1).

ClinVar aggregate classification (germline): Uncertain significance (1 of 4 stars; one submission).

Conditions:
Cardiovascular phenotype. Identifiers: MedGen CN230736.

gnomAD v4.1: 1 of 1,550,166 alleles (0.000065%); no homozygotes.

Submission:

Ambry Genetics
Classification: Uncertain significance for Cardiovascular phenotype. Last evaluated: 2024-06-16. Review status: criteria provided, single submitter. Criteria: Ambry Variant Classification Scheme 2023. Collection method: clinical testing. Allele origin: germline.
Comment: The p.W3495R variant (also known as c.10483T>C), located in coding exon 2 of the ZNF469 gene, results from a T to C substitution at nucleotide position 10483. The tryptophan at codon 3495 is replaced by arginine, an amino acid with dissimilar properties. This amino acid position is conserved. In addition, this alteration is predicted to be tolerated by in silico analysis. Based on the available evidence, the clinical significance of this variant remains unclear.